The following is an entry in ClinVar:

ClinVar aggregate classification (germline): Uncertain significance. Review status: criteria provided, multiple submitters, no conflicts (2 of 4 stars). 2 submissions from 2 submitters: Uncertain significance (2). Last evaluated 2024-03-02.

Conditions:
Hypersulfaturia (HYSULF). Identifiers: MedGen C5830511, MONDO:0957268, OMIM 620372.
Nephrolithiasis susceptibility caused by SLC26A1 (CAON1). Also called: NEPHROLITHIASIS, CALCIUM OXALATE, 1. Identifiers: MedGen C5779632, MONDO:0020722, OMIM 167030.

Allele frequency attached by ClinVar (database versions not stated): ExAC 0.00003; TOPMed 0.00005.
gnomAD v4.1: 6 of 1,608,216 alleles (0.00037%); highest among the groups gnomAD compares: Admixed American, 0.0017%; no homozygotes.

Submissions (2):

Fulgent Genetics
Classification: Uncertain significance for Nephrolithiasis susceptibility caused by SLC26A1; Hypersulfaturia. Last evaluated: 2024-03-02. Review status: criteria provided, single submitter. Criteria: ACMG Guidelines, 2015. Collection method: clinical testing. Allele origin: germline.

Labcorp Genetics (formerly Invitae), Labcorp
Classification: Uncertain significance. Last evaluated: 2023-07-16. Review status: criteria provided, single submitter. Criteria: Invitae Variant Classification Sherloc (09022015). Collection method: clinical testing. Allele origin: germline.
Comment: In summary, the available evidence is currently insufficient to determine the role of this variant in disease. Therefore, it has been classified as a Variant of Uncertain Significance. Advanced modeling of protein sequence and biophysical properties (such as structural, functional, and spatial information, amino acid conservation, physicochemical variation, residue mobility, and thermodynamic stability) performed at Invitae indicates that this missense variant is not expected to disrupt SLC26A1 protein function. This variant has not been reported in the literature in individuals affected with SLC26A1-related conditions. This variant is present in population databases (rs774511066, gnomAD 0.01%). This sequence change replaces arginine, which is basic and polar, with histidine, which is basic and polar, at codon 64 of the SLC26A1 protein (p.Arg64His).

NM_022042.4(SLC26A1):c.191G>A (p.Arg64His)

Genes: IDUA (alpha-L-iduronidase; plus strand), SLC26A1 (solute carrier family 26 member 1; minus strand). Cytogenetic location: 4p16.3.
Variant type: single nucleotide variant.
Coding change: c.191G>A on transcript NM_022042.4 (MANE Select); coding-DNA position 191, G replaced by A.
Protein change: p.Arg64His; replaces arginine 64 with histidine.
Molecular consequence: missense variant. On other transcripts: intron variant (1).
Genome position (GRCh38, 1-based): chr4:991,513, C>T on the plus strand (G>A on the coding strand, the complement: SLC26A1 is on the minus strand). VCF-style: chr4-991513-C-T. GRCh37 (hg19) VCF-style: chr4-985301-C-T.
Other names: c.191G>A, p.Arg64His (NM_134425.4, NM_213613.4); c.299+3564C>T (NM_000203.5); short protein forms R64H.
Identifiers: ClinVar variation 3003225 (VCV003003225.4), dbSNP rs774511066, ClinGen allele CA2801749.